The following is an entry in ClinVar:

NM_000051.4(ATM):c.4055A>T (p.His1352Leu)

Gene: ATM (ATM serine/threonine kinase; plus strand). Cytogenetic location: 11q22.3.
Variant type: single nucleotide variant.
Coding change: c.4055A>T on transcript NM_000051.4 (MANE Select); coding-DNA position 4055, A replaced by T.
Protein change: p.His1352Leu; replaces histidine 1352 with leucine.
Molecular consequence: missense variant.
Genome position (GRCh38, 1-based): chr11:108,287,661, A>T. VCF-style: chr11-108287661-A-T. GRCh37 (hg19) VCF-style: chr11-108158388-A-T.
Other names: c.4055A>T, p.His1352Leu (NM_001351834.2); short protein forms H1352L.
Identifiers: ClinVar variation 824543 (VCV000824543.14), dbSNP rs925124248, ClinGen allele CA382527976.
Genomic context (GRCh38, chr11:108,287,661, plus strand): 5'-TTGATCACTTATTCATTAGTAATTTACCAGAGATTGTGGTGGAGTTATTGATGACGTTAC[A>T]TGAGCCAGCAAATTCTAGTGCCAGTCAGAGCACTGACCTCTGTGACTTTTCAGGGTATGT-3'
Protein context (NP_000042.3, residues 1342-1362): EIVVELLMTL[His1352Leu]EPANSSASQS

ClinVar aggregate classification (germline): Uncertain significance. Review status: criteria provided, multiple submitters, no conflicts (2 of 4 stars). 2 submissions from 2 submitters: Uncertain significance (2). Last evaluated 2023-09-17.

Conditions:
Hereditary cancer-predisposing syndrome. Also called: Neoplastic Syndromes, Hereditary; Hereditary Cancer Syndrome; Hereditary neoplastic syndrome; Tumor predisposition. Identifiers: Orphanet 140162, MedGen C0027672, MeSH D009386, MONDO:0015356.
Ataxia-telangiectasia syndrome (AT). Also called: ATAXIA-TELANGIECTASIA, COMPLEMENTATION GROUP A; ATAXIA-TELANGIECTASIA, FRESNO VARIANT; Ataxia-telangiectasia, complementation group E; Ataxia telangiectasia (A-T); LOUIS-BAR SYNDROME; Cerebello-oculocutaneous telangiectasia. Identifiers: Orphanet 100, MedGen C0004135, MONDO:0008840, OMIM 208900.

Submissions (2):

Labcorp Genetics (formerly Invitae), Labcorp
Classification: Uncertain significance for Ataxia-telangiectasia syndrome. Last evaluated: 2023-09-17. Review status: criteria provided, single submitter. Criteria: Invitae Variant Classification Sherloc (09022015). Collection method: clinical testing. Allele origin: germline.
Comment: An algorithm developed to predict the effect of missense changes on protein structure and function (PolyPhen-2) suggests that this variant is likely to be disruptive. In summary, the available evidence is currently insufficient to determine the role of this variant in disease. Therefore, it has been classified as a Variant of Uncertain Significance. ClinVar contains an entry for this variant (Variation ID: 824543). This sequence change replaces histidine, which is basic and polar, with leucine, which is neutral and non-polar, at codon 1352 of the ATM protein (p.His1352Leu). This variant is not present in population databases (gnomAD no frequency). This variant has not been reported in the literature in individuals affected with ATM-related conditions.

Ambry Genetics
Classification: Uncertain significance for Hereditary cancer-predisposing syndrome. Last evaluated: 2019-04-25. Review status: criteria provided, single submitter. Criteria: Ambry Variant Classification Scheme 2023. Collection method: clinical testing. Allele origin: germline.
Comment: The p.H1352L variant (also known as c.4055A>T), located in coding exon 26 of the ATM gene, results from an A to T substitution at nucleotide position 4055. The histidine at codon 1352 is replaced by leucine, an amino acid with similar properties. This amino acid position is highly conserved in available vertebrate species. In addition, the in silico prediction for this alteration is inconclusive. Since supporting evidence is limited at this time, the clinical significance of this alteration remains unclear.